The following is an entry in ClinVar:

ClinVar aggregate classification (germline): Uncertain significance (1 of 4 stars; one submission).

Conditions:
Hereditary cancer-predisposing syndrome. Also called: Neoplastic Syndromes, Hereditary; Tumor predisposition; Hereditary neoplastic syndrome; Hereditary Cancer Syndrome. Identifiers: Orphanet 140162, MedGen C0027672, MeSH D009386, MONDO:0015356.

Submission:

Ambry Genetics
Classification: Uncertain significance for Hereditary cancer-predisposing syndrome. Last evaluated: 2026-08-18. Review status: criteria provided, single submitter. Criteria: Ambry Variant Classification Scheme 2023. Collection method: clinical testing. Allele origin: germline.
Comment: The p.V561I variant (also known as c.1681G>A), located in coding exon 11 of the PDGFRA gene, results from a G to A substitution at nucleotide position 1681. The valine at codon 561 is replaced by isoleucine, an amino acid with highly similar properties. This amino acid position is conserved. In addition, the in silico prediction for this alteration is inconclusive. Based on the available evidence, the clinical significance of this variant remains unclear.

NM_006206.6(PDGFRA):c.1681G>A (p.Val561Ile)

Gene: PDGFRA (platelet derived growth factor receptor alpha; plus strand). Cytogenetic location: 4q12.
Variant type: single nucleotide variant.
Coding change: c.1681G>A on transcript NM_006206.6 (MANE Select); coding-DNA position 1681, G replaced by A.
Protein change: p.Val561Ile; replaces valine 561 with isoleucine.
Molecular consequence: missense variant.
Genome position (GRCh38, 1-based): chr4:54,274,868, G>A. VCF-style: chr4-54274868-G-A. GRCh37 (hg19) VCF-style: chr4-55141035-G-A.
Other names: c.1681G>A, p.Val561Ile (NM_001347827.2, NM_001347829.2); c.1756G>A, p.Val586Ile (NM_001347828.2); c.1720G>A, p.Val574Ile (NM_001347830.2); short protein forms V561I, V574I, V586I.
Identifiers: ClinVar variation 5026451 (VCV005026451.1).
Genomic context (GRCh38, chr4:54,274,868, plus strand): 5'-AATTCACCAGTTACCTGTCCTGGTCATTTATAGAAACCGAGGTATGAAATTCGCTGGAGG[G>A]TCATTGAATCAATCAGCCCAGATGGACATGAATATATTTATGTGGACCCGATGCAGCTGC-3'
Protein context (NP_006197.1, residues 551-571): QKPRYEIRWR[Val561Ile]IESISPDGHE